The following is an entry in ClinVar:

ClinVar aggregate classification (germline): Uncertain significance. Review status: criteria provided, multiple submitters, no conflicts (2 of 4 stars). 2 submissions from 2 submitters: Uncertain significance (2). Last evaluated 2025-11-26.

Submissions (2):

Ambry Genetics
Classification: Uncertain significance. Last evaluated: 2025-11-26. Review status: criteria provided, single submitter. Criteria: Ambry Variant Classification Scheme 2023. Collection method: clinical testing. Allele origin: germline.

Labcorp Genetics (formerly Invitae), Labcorp
Classification: Uncertain significance. Last evaluated: 2025-10-02. Review status: criteria provided, single submitter. Criteria: Invitae Variant Classification Sherloc (09022015). Collection method: clinical testing. Allele origin: germline.
Comment: This sequence change replaces arginine, which is basic and polar, with tryptophan, which is neutral and slightly polar, at codon 244 of the UCP3 protein (p.Arg244Trp). This variant is present in population databases (rs779791876, gnomAD 0.03%). This variant has not been reported in the literature in individuals affected with UCP3-related conditions. Invitae Evidence Modeling of protein sequence and biophysical properties (such as structural, functional, and spatial information, amino acid conservation, physicochemical variation, residue mobility, and thermodynamic stability) indicates that this missense variant is expected to disrupt UCP3 protein function with a positive predictive value of 80%. In summary, the available evidence is currently insufficient to determine the role of this variant in disease. Therefore, it has been classified as a Variant of Uncertain Significance.

NM_003356.4(UCP3):c.730C>T (p.Arg244Trp)

Gene: UCP3 (uncoupling protein 3; minus strand). Cytogenetic location: 11q13.4.
Variant type: single nucleotide variant.
Coding change: c.730C>T on transcript NM_003356.4 (MANE Select); coding-DNA position 730, C replaced by T.
Protein change: p.Arg244Trp; replaces arginine 244 with tryptophan.
Molecular consequence: missense variant.
Genome position (GRCh38, 1-based): chr11:74,003,921, G>A on the plus strand (C>T on the coding strand, the complement: UCP3 is on the minus strand). VCF-style: chr11-74003921-G-A. GRCh37 (hg19) VCF-style: chr11-73714966-G-A.
Other names: c.730C>T, p.Arg244Trp (NM_022803.3); short protein forms R244W.
Identifiers: ClinVar variation 4601654 (VCV004601654.2).